The following is an entry in ClinVar:

ClinVar aggregate classification (germline): Conflicting classifications of pathogenicity. Review status: criteria provided, conflicting classifications (1 of 4 stars). 5 submissions from 5 submitters: Uncertain significance (1); Benign (1); Likely benign (2). 1 of the submissions does not count toward it. Last evaluated 2025-12-16.

Conditions:
Congenital hyperammonemia, type I. Also called: Carbamoyl-phosphate synthase I deficiency; CPS I DEFICIENCY; Carbamoyl phosphate synthetase I deficiency disease; Carbamoyl phosphate synthetase 1 deficiency; Hyperammonemia due to carbamoyl phosphate synthetase 1 deficiency; CPS 1 deficiency. Identifiers: Orphanet 147, MedGen C4082171, MONDO:0009376, OMIM 237300.

Allele frequency attached by ClinVar (database versions not stated): gnomAD exomes 0.00008 and 0.00018; 1000 Genomes Project 30x 0.00016; 1000 Genomes Project 0.00020; ExAC 0.00025; gnomAD 0.00050 and 0.00052; TOPMed 0.00059; ESP Exome Variant Server 0.00077.
gnomAD v4.1: 195 of 1,611,888 alleles (0.012%); highest among the groups gnomAD compares: African/African-American, 0.2%; no homozygotes.

Submissions (5):

Labcorp Genetics (formerly Invitae), Labcorp
Classification: Benign for Congenital hyperammonemia, type I. Last evaluated: 2025-12-16. Review status: criteria provided, single submitter. Criteria: Invitae Variant Classification Sherloc (09022015). Collection method: clinical testing. Allele origin: germline.

CeGaT Center for Human Genetics Tuebingen
Classification: Likely benign. Last evaluated: 2024-03-01. Review status: criteria provided, single submitter. Criteria: CeGaT Center For Human Genetics Tuebingen Variant Classification Criteria Version 2. Collection method: clinical testing. Allele origin: germline. Affected: yes. Observed: 1 variant allele.
Comment: CPS1: BP4

Illumina Laboratory Services, Illumina
Classification: Uncertain significance for Congenital hyperammonemia, type I. Last evaluated: 2018-01-13. Review status: criteria provided, single submitter. Criteria: ICSL Variant Classification Criteria 13 December 2019. Collection method: clinical testing. Allele origin: germline.

GeneDx
Classification: Likely benign. Last evaluated: 2017-07-13. Review status: criteria provided, single submitter. Criteria: GeneDx Variant Classification (06012015). Collection method: clinical testing. Allele origin: germline. Affected: yes.
Comment: This variant is considered likely benign or benign based on one or more of the following criteria: it is a conservative change, it occurs at a poorly conserved position in the protein, it is predicted to be benign by multiple in silico algorithms, and/or has population frequency not consistent with disease.

Natera, Inc.
Classification: Likely benign for Carbamoyl-phosphate synthase I deficiency. Last evaluated: 2019-10-25. Review status: no assertion criteria provided. Collection method: clinical testing. Allele origin: germline. Not counted in ClinVar's aggregate classification.

NM_001875.5(CPS1):c.948-6C>T

Gene: CPS1 (carbamoyl-phosphate synthase 1; plus strand). Cytogenetic location: 2q34.
Variant type: single nucleotide variant.
Coding change: c.948-6C>T on transcript NM_001875.5 (MANE Select); 6 bases into the intron before coding-DNA position 948, C replaced by T.
Molecular consequence: intron variant.
Genome position (GRCh38, 1-based): chr2:210,591,825, C>T. VCF-style: chr2-210591825-C-T. GRCh37 (hg19) VCF-style: chr2-211456549-C-T.
Other names: c.948-6C>T (NM_001369257.1, NM_001122633.3, LRG_336t1); c.981-6C>T (NM_001369256.1).
Identifiers: ClinVar variation 334018 (VCV000334018.40), dbSNP rs112199960, ClinGen allele CA2086210.